The following is an entry in ClinVar:

ClinVar aggregate classification (germline): Uncertain significance (1 of 4 stars; one submission).

Submission:

GeneDx
Classification: Uncertain significance. Last evaluated: 2026-04-08. Review status: criteria provided, single submitter. Criteria: GeneDx Variant Classification Process June 2021. Collection method: clinical testing. Allele origin: germline.
Comment: Not observed at significant frequency in large population cohorts (gnomAD); Nonsense variant predicted to result in protein truncation as the last 37 amino acid(s) are lost; Has not been previously published as pathogenic or benign to our knowledge.

NM_015365.3(AMMECR1):c.891T>A (p.Tyr297Ter)

Gene: AMMECR1 (AMMECR nuclear protein 1; minus strand). Cytogenetic location: Xq23.
Variant type: single nucleotide variant.
Coding change: c.891T>A on transcript NM_015365.3 (MANE Select); coding-DNA position 891, T replaced by A.
Protein change: p.Tyr297Ter; replaces tyrosine 297 with a stop codon.
Molecular consequence: nonsense.
Genome position (GRCh38, 1-based): chrX:110,198,631, A>T on the plus strand (T>A on the coding strand, the complement: AMMECR1 is on the minus strand). VCF-style: chrX-110198631-A-T. GRCh37 (hg19) VCF-style: chrX-109441859-A-T.
Other names: c.780T>A, p.Tyr260Ter (NM_001025580.2); c.522T>A, p.Tyr174Ter (NM_001171689.2); short protein forms Y174*, Y260*, Y297*.
Identifiers: ClinVar variation 5018266 (VCV005018266.1).